The following is an entry in ClinVar:

ClinVar aggregate classification (germline): Uncertain significance (1 of 4 stars; one submission).

Allele frequency attached by ClinVar (database versions not stated): TOPMed below 0.00001; gnomAD 0.00001; gnomAD exomes 0.00002.
gnomAD v4.1: 28 of 1,545,240 alleles (0.0018%); highest among the groups gnomAD compares: African/African-American, 0.0027%; no homozygotes.

Submission:

Labcorp Genetics (formerly Invitae), Labcorp
Classification: Uncertain significance. Last evaluated: 2022-03-03. Review status: criteria provided, single submitter. Criteria: Invitae Variant Classification Sherloc (09022015). Collection method: clinical testing. Allele origin: germline.
Comment: In summary, the available evidence is currently insufficient to determine the role of this variant in disease. Therefore, it has been classified as a Variant of Uncertain Significance. Algorithms developed to predict the effect of missense changes on protein structure and function output the following: SIFT: "Tolerated"; PolyPhen-2: "Benign"; Align-GVGD: "Class C0". The aspartic acid amino acid residue is found in multiple mammalian species, which suggests that this missense change does not adversely affect protein function. This variant has not been reported in the literature in individuals affected with RIMS1-related conditions. This variant is present in population databases (no rsID available, gnomAD 0.002%). This sequence change replaces glutamic acid, which is acidic and polar, with aspartic acid, which is acidic and polar, at codon 435 of the RIMS1 protein (p.Glu435Asp).

NM_014989.7(RIMS1):c.1305G>C (p.Glu435Asp)

Gene: RIMS1 (regulating synaptic membrane exocytosis 1; plus strand). Cytogenetic location: 6q13.
Variant type: single nucleotide variant.
Coding change: c.1305G>C on transcript NM_014989.7 (MANE Select); coding-DNA position 1305, G replaced by C.
Protein change: p.Glu435Asp; replaces glutamic acid 435 with aspartic acid.
Molecular consequence: missense variant.
Genome position (GRCh38, 1-based): chr6:72,182,776, G>C. VCF-style: chr6-72182776-G-C. GRCh37 (hg19) VCF-style: chr6-72892479-G-C.
Other names: short protein forms E435D.
Identifiers: ClinVar variation 1500274 (VCV001500274.6), dbSNP rs1017235293, ClinGen allele CA141417538.